The following is an entry in ClinVar:

NM_003631.5(PARG):c.2399G>A (p.Arg800His)

Gene: PARG (poly(ADP-ribose) glycohydrolase; minus strand). Cytogenetic location: 10q11.23.
Variant type: single nucleotide variant.
Coding change: c.2399G>A on transcript NM_003631.5 (MANE Select); coding-DNA position 2399, G replaced by A.
Protein change: p.Arg800His; replaces arginine 800 with histidine.
Molecular consequence: missense variant. On other transcripts: non-coding transcript variant (7).
Genome position (GRCh38, 1-based): chr10:49,843,587, C>T on the plus strand (G>A on the coding strand, the complement: PARG is on the minus strand). VCF-style: chr10-49843587-C-T. GRCh37 (hg19) VCF-style: chr10-51051633-C-T.
Other names: c.2153G>A, p.Arg718His (NM_001303486.3, NM_001324381.3); c.2075G>A, p.Arg692His (NM_001303487.3); c.1157G>A, p.Arg386His (NM_001303489.3); short protein forms R718H, R800H, R386H, R692H.
Identifiers: ClinVar variation 3885657 (VCV003885657.1).

ClinVar aggregate classification (germline): Uncertain significance (1 of 4 stars; one submission).

gnomAD v4.1: 22 of 1,550,964 alleles (0.0014%); highest among the groups gnomAD compares: South Asian, 0.011%; no homozygotes.

Submission:

Ambry Genetics
Classification: Uncertain significance. Last evaluated: 2024-12-25. Review status: criteria provided, single submitter. Criteria: Ambry Variant Classification Scheme 2023. Collection method: clinical testing. Allele origin: germline.
Comment: The c.2399G>A (p.R800H) alteration is located in exon (coding exon ) of the PARG gene. This alteration results from a G to A substitution at nucleotide position 2399, causing the arginine (R) at amino acid position 800 to be replaced by a histidine (H). Based on insufficient or conflicting evidence, the clinical significance of this alteration remains unclear.